The following is an entry in ClinVar:

NM_201631.4(TGM5):c.1750T>C (p.Tyr584His)

Gene: TGM5 (transglutaminase 5; minus strand). Cytogenetic location: 15q15.2.
Variant type: single nucleotide variant.
Coding change: c.1750T>C on transcript NM_201631.4 (MANE Select); coding-DNA position 1750, T replaced by C.
Protein change: p.Tyr584His; replaces tyrosine 584 with histidine.
Molecular consequence: missense variant.
Genome position (GRCh38, 1-based): chr15:43,234,894, A>G on the plus strand (T>C on the coding strand, the complement: TGM5 is on the minus strand). VCF-style: chr15-43234894-A-G. GRCh37 (hg19) VCF-style: chr15-43527092-A-G.
Other names: c.1504T>C, p.Tyr502His (NM_004245.4); short protein forms Y584H, Y502H.
Identifiers: ClinVar variation 887643 (VCV000887643.5), dbSNP rs146901531, ClinGen allele CA7520891.

ClinVar aggregate classification (germline): Conflicting classifications of pathogenicity. Review status: criteria provided, conflicting classifications (1 of 4 stars). 2 submissions from 2 submitters: Uncertain significance (1); Likely benign (1). Last evaluated 2025-05-07.

Conditions:
TGM5-related disorder. Also called: TGM5-related condition.
Acral peeling skin syndrome. Also called: Peeling skin syndrome 2. Identifiers: Orphanet 263534, MedGen C1853354, MONDO:0012345, OMIM 609796.

Allele frequency attached by ClinVar (database versions not stated): 1000 Genomes Project 0.00040; ESP Exome Variant Server 0.00046; 1000 Genomes Project 30x 0.00047; ExAC 0.00047; gnomAD 0.00051 and 0.00056; gnomAD exomes 0.00052 and 0.00056; TOPMed 0.00069.
gnomAD v4.1: 924 of 1,614,198 alleles (0.057%); highest among the groups gnomAD compares: Admixed American, 0.17%; 1 homozygote.

Submissions (2):

PreventionGenetics, part of Exact Sciences
Classification: Likely benign for TGM5-related condition. Last evaluated: 2025-05-07. Review status: criteria provided, single submitter. Criteria: ACMG Guidelines, 2015. Collection method: clinical testing. Allele origin: germline.
Comment: This variant is classified as likely benign based on ACMG/AMP sequence variant interpretation guidelines (Richards et al. 2015 PMID: 25741868, with internal and published modifications).

Illumina Laboratory Services, Illumina
Classification: Uncertain significance for Acral peeling skin syndrome. Last evaluated: 2018-01-13. Review status: criteria provided, single submitter. Criteria: ICSL Variant Classification Criteria 13 December 2019. Collection method: clinical testing. Allele origin: germline.